The following is an entry in ClinVar:

NM_001018005.2(TPM1):c.114+14C>T

Gene: TPM1 (tropomyosin 1; plus strand). Cytogenetic location: 15q22.2.
Variant type: single nucleotide variant.
Coding change: c.114+14C>T on transcript NM_001018005.2 (MANE Select); 14 bases into the intron after coding-DNA position 114, C replaced by T.
Molecular consequence: intron variant.
Genome position (GRCh38, 1-based): chr15:63,042,957, C>T. VCF-style: chr15-63042957-C-T. GRCh37 (hg19) VCF-style: chr15-63335156-C-T.
Other names: c.114+14C>T (NM_001365778.1, NM_001407336.1, NM_001018020.2 and 24 more transcripts).
Identifiers: ClinVar variation 137697 (VCV000137697.26), dbSNP rs576659891, ClinGen allele CA017868.

ClinVar aggregate classification (germline): Conflicting classifications of pathogenicity. Review status: criteria provided, conflicting classifications (1 of 4 stars). 11 submissions from 10 submitters: Uncertain significance (2); Benign (1); Likely benign (3). 5 of the submissions do not count toward it. Last evaluated 2026-01-31.

Conditions:
Hypertrophic cardiomyopathy 3. Also called: TPM1-Related Familial Hypertrophic Cardiomyopathy. Identifiers: MedGen C1861863, MONDO:0007267, OMIM 115196.
Dilated cardiomyopathy 1Y (CMD1Y). Identifiers: Orphanet 154, Orphanet 54260, MedGen C2678476, MONDO:0012744, OMIM 611878.
Hypertrophic cardiomyopathy. Also called: HYPERTROPHIC MYOCARDIOPATHY. Identifiers: Orphanet 217569, MedGen C0007194, MeSH D002312, MONDO:0005045, HP:0001639.

Allele frequency attached by ClinVar (database versions not stated): ExAC 0.00008; gnomAD exomes 0.00010; gnomAD 0.00013 and 0.00014; TOPMed 0.00014.
gnomAD v4.1: 293 of 1,578,508 alleles (0.019%); highest among the groups gnomAD compares: Non-Finnish European, 0.025%; no homozygotes.

Submissions (11):

Labcorp Genetics (formerly Invitae), Labcorp
Classification: Likely benign for Hypertrophic cardiomyopathy. Last evaluated: 2026-01-31. Review status: criteria provided, single submitter. Criteria: Invitae Variant Classification Sherloc (09022015). Collection method: clinical testing. Allele origin: germline.

Blueprint Genetics
Classification: Likely benign. Last evaluated: 2024-11-22. Review status: criteria provided, single submitter. Criteria: ACMG Guidelines, 2015. Collection method: clinical testing. Allele origin: germline.

Illumina Laboratory Services, Illumina
Classification: Uncertain significance for Dilated cardiomyopathy 1Y. Last evaluated: 2018-01-13. Review status: criteria provided, single submitter. Criteria: ICSL Variant Classification Criteria 13 December 2019. Collection method: clinical testing. Allele origin: germline.

Illumina Laboratory Services, Illumina
Classification: Uncertain significance for Hypertrophic cardiomyopathy 3. Last evaluated: 2018-01-13. Review status: criteria provided, single submitter. Criteria: ICSL Variant Classification Criteria 13 December 2019. Collection method: clinical testing. Allele origin: germline.

Laboratory for Molecular Medicine, Mass General Brigham Personalized Medicine
Classification: Likely benign. Last evaluated: 2014-03-13. Review status: criteria provided, single submitter. Criteria: LMM Criteria. Collection method: clinical testing. Allele origin: germline. Observed: 1 variant allele.
Comment: 114+14C>T in intron 1 of TPM1: This variant is not expected to have clinical sig nificance because it is not located within the splice consensus sequence.

GeneDx
Classification: Benign. Last evaluated: 2013-07-11. Review status: criteria provided, single submitter. Criteria: GeneDx Variant Classification (06012015). Collection method: clinical testing. Allele origin: germline. Affected: yes.
Comment: This variant is considered likely benign or benign based on one or more of the following criteria: it is a conservative change, it occurs at a poorly conserved position in the protein, it is predicted to be benign by multiple in silico algorithms, and/or has population frequency not consistent with disease.

Clinical Genetics DNA and cytogenetics Diagnostics Lab, Erasmus MC, Erasmus Medical Center
Classification: Benign. Review status: no assertion criteria provided. Collection method: clinical testing. Allele origin: germline. Affected: yes. Study: VKGL Data-share Consensus. Not counted in ClinVar's aggregate classification.

Clinical Genetics, Academic Medical Center
Classification: Benign. Review status: no assertion criteria provided. Collection method: clinical testing. Allele origin: germline. Affected: yes. Study: VKGL Data-share Consensus. Not counted in ClinVar's aggregate classification.

Diagnostic Laboratory, Department of Genetics, University Medical Center Groningen
Classification: Likely benign. Review status: no assertion criteria provided. Collection method: clinical testing. Allele origin: germline. Affected: yes. Study: VKGL Data-share Consensus. Not counted in ClinVar's aggregate classification.

Genome Diagnostics Laboratory, University Medical Center Utrecht
Classification: Likely benign. Review status: no assertion criteria provided. Collection method: clinical testing. Allele origin: germline. Affected: yes. Study: VKGL Data-share Consensus. Not counted in ClinVar's aggregate classification.

Joint Genome Diagnostic Labs from Nijmegen and Maastricht, Radboudumc and MUMC+
Classification: Likely benign. Review status: no assertion criteria provided. Collection method: clinical testing. Allele origin: germline. Affected: yes. Study: VKGL Data-share Consensus. Not counted in ClinVar's aggregate classification.